The following is an entry in ClinVar:

ClinVar aggregate classification (germline): Uncertain significance. Review status: criteria provided, single submitter (1 of 4 stars). 2 submissions from 1 submitter: Uncertain significance (2). Last evaluated 2018-02-23.

Conditions:
Charcot-Marie-Tooth disease type 2. Also called: Charcot-Marie-Tooth type 2. Identifiers: Orphanet 64746, MedGen C0270914, MONDO:0018993.
Hereditary motor and sensory neuropathy with optic atrophy. Also called: PERIPHERAL NEUROPATHY AND OPTIC ATROPHY; CHARCOT-MARIE-TOOTH DISEASE, TYPE 6. Identifiers: Orphanet 90120, MedGen C0393807, MONDO:0019551.

Submissions (2):

Illumina Laboratory Services, Illumina
Classification: Uncertain significance for Charcot-Marie-Tooth disease, type 2. Last evaluated: 2018-02-23. Review status: criteria provided, single submitter. Criteria: ICSL Variant Classification Criteria 13 December 2019. Collection method: clinical testing. Allele origin: germline.
Comment: This variant was observed as part of a predisposition screen in an ostensibly healthy population. A literature search was performed for the gene, cDNA change, and amino acid change (where applicable). Publications were found based on this search. However, the evidence from the literature, in combination with allele frequency data from public databases where available, was not sufficient to rule this variant in or out of causing disease. Therefore, this variant is classified as a variant of unknown significance.

Illumina Laboratory Services, Illumina
Classification: Uncertain significance for Neuropathy, hereditary motor and sensory, type 6A. Last evaluated: 2018-02-23. Review status: criteria provided, single submitter. Criteria: ICSL Variant Classification Criteria 13 December 2019. Collection method: clinical testing. Allele origin: germline.
Comment: the same text as in the submission from Illumina Laboratory Services, Illumina above.

Literature cited by the submitters: PubMed 26365381.

NM_014874.4(MFN2):c.2211A>G (p.Lys737=)

Gene: MFN2 (mitofusin 2; plus strand). Cytogenetic location: 1p36.22.
Variant type: single nucleotide variant.
Coding change: c.2211A>G on transcript NM_014874.4 (MANE Select); coding-DNA position 2211, A replaced by G.
Protein change: p.Lys737=; no amino-acid change (lysine 737 retained).
Molecular consequence: synonymous variant.
Genome position (GRCh38, 1-based): chr1:12,011,502, A>G. VCF-style: chr1-12011502-A-G. GRCh37 (hg19) VCF-style: chr1-12071559-A-G.
Other names: c.2211A>G, p.Lys737= (NM_001127660.2).
Identifiers: ClinVar variation 874804 (VCV000874804.4), dbSNP rs1639694970, ClinGen allele CA416115004.